The following is an entry in ClinVar:

ClinVar aggregate classification (germline): Uncertain significance (1 of 4 stars; one submission).

Conditions:
Schuurs-Hoeijmakers syndrome. Also called: PACS1-Related Neurodevelopmental Disorder. Identifiers: Orphanet 329224, MedGen C3554343, MONDO:0014006, OMIM 615009.

Allele frequency attached by ClinVar (database versions not stated): gnomAD exomes below 0.00001.
gnomAD v4.1: 1 of 1,614,086 alleles (0.000062%); highest among the groups gnomAD compares: Middle Eastern, 0.016%; no homozygotes.

Submission:

Labcorp Genetics (formerly Invitae), Labcorp
Classification: Uncertain significance for Schuurs-Hoeijmakers syndrome. Last evaluated: 2022-12-25. Review status: criteria provided, single submitter. Criteria: Invitae Variant Classification Sherloc (09022015). Collection method: clinical testing. Allele origin: germline.
Comment: In summary, the available evidence is currently insufficient to determine the role of this variant in disease. Therefore, it has been classified as a Variant of Uncertain Significance. Advanced modeling of protein sequence and biophysical properties (such as structural, functional, and spatial information, amino acid conservation, physicochemical variation, residue mobility, and thermodynamic stability) performed at Invitae indicates that this missense variant is expected to disrupt PACS1 protein function. This variant has not been reported in the literature in individuals affected with PACS1-related conditions. This variant is not present in population databases (gnomAD no frequency). This sequence change replaces aspartic acid, which is acidic and polar, with tyrosine, which is neutral and polar, at codon 691 of the PACS1 protein (p.Asp691Tyr).

NM_018026.4(PACS1):c.2071G>T (p.Asp691Tyr)

Gene: PACS1 (phosphofurin acidic cluster sorting protein 1; plus strand). Cytogenetic location: 11q13.2.
Variant type: single nucleotide variant.
Coding change: c.2071G>T on transcript NM_018026.4 (MANE Select); coding-DNA position 2071, G replaced by T.
Protein change: p.Asp691Tyr; replaces aspartic acid 691 with tyrosine.
Molecular consequence: missense variant.
Genome position (GRCh38, 1-based): chr11:66,234,209, G>T. VCF-style: chr11-66234209-G-T. GRCh37 (hg19) VCF-style: chr11-66001680-G-T.
Other names: short protein forms D691Y.
Identifiers: ClinVar variation 2903300 (VCV002903300.3), dbSNP rs2134741381, ClinGen allele CA381374541.
Genomic context (GRCh38, chr11:66,234,209, plus strand): 5'-AAATACTTGGGGTCAGTCGACAGTAAATACAGTAGTTCCTTCCTGGATTCTGGTTGGAGA[G>T]ATCTGTTCAGTCGCTCGGAGCCACCAGTGTCAGGTAATGGCCCCGTGTAAGGAGCTTACT-3'
Protein context (NP_060496.2, residues 681-701): SSSFLDSGWR[Asp691Tyr]LFSRSEPPVS